The following is an entry in ClinVar:

ClinVar aggregate classification (germline): Uncertain significance (1 of 4 stars; one submission).

Allele frequency attached by ClinVar (database versions not stated): gnomAD exomes 0.00002 and 0.00003.
gnomAD v4.1: 40 of 1,614,128 alleles (0.0025%); highest among the groups gnomAD compares: Non-Finnish European, 0.0031%; no homozygotes.

Submission:

Labcorp Genetics (formerly Invitae), Labcorp
Classification: Uncertain significance. Last evaluated: 2022-02-24. Review status: criteria provided, single submitter. Criteria: Invitae Variant Classification Sherloc (09022015). Collection method: clinical testing. Allele origin: germline.
Comment: In summary, the available evidence is currently insufficient to determine the role of this variant in disease. Therefore, it has been classified as a Variant of Uncertain Significance. Algorithms developed to predict the effect of missense changes on protein structure and function (SIFT, PolyPhen-2, Align-GVGD) all suggest that this variant is likely to be tolerated. This variant has not been reported in the literature in individuals affected with RTTN-related conditions. This variant is present in population databases (no rsID available, gnomAD 0.003%). This sequence change replaces cysteine, which is neutral and slightly polar, with tyrosine, which is neutral and polar, at codon 1820 of the RTTN protein (p.Cys1820Tyr).

NM_173630.4(RTTN):c.5459G>A (p.Cys1820Tyr)

Genes: RTTN (rotatin; minus strand), LOC126862785 (MED14-independent group 3 enhancer GRCh37_chr18:67714790-67715989; plus strand). Cytogenetic location: 18q22.2.
Variant type: single nucleotide variant.
Coding change: c.5459G>A on transcript NM_173630.4 (MANE Select); coding-DNA position 5459, G replaced by A.
Protein change: p.Cys1820Tyr; replaces cysteine 1820 with tyrosine.
Molecular consequence: missense variant.
Genome position (GRCh38, 1-based): chr18:70,048,053, C>T on the plus strand (G>A on the coding strand, the complement: RTTN is on the minus strand). VCF-style: chr18-70048053-C-T. GRCh37 (hg19) VCF-style: chr18-67715289-C-T.
Other names: c.2723G>A, p.Cys908Tyr (NM_001318520.2); short protein forms C1820Y, C908Y.
Identifiers: ClinVar variation 1444413 (VCV001444413.10), dbSNP rs1303841144, ClinGen allele CA402690415.